The following is an entry in ClinVar:

ClinVar aggregate classification (germline): Uncertain significance (1 of 4 stars; one submission).

Submission:

Ambry Genetics
Classification: Uncertain significance. Last evaluated: 2026-05-08. Review status: criteria provided, single submitter. Criteria: Ambry Variant Classification Scheme 2023. Collection method: clinical testing. Allele origin: germline.
Comment: The p.P114A variant (also known as c.340C>G), located in coding exon 1 of the PALLD gene, results from a C to G substitution at nucleotide position 340. The proline at codon 114 is replaced by alanine, an amino acid with highly similar properties. This amino acid position is conserved. In addition, this alteration is predicted to be tolerated by in silico analysis. The evidence for this gene-disease relationship is limited; therefore, the clinical significance of this variant is unclear.

NM_001166108.2(PALLD):c.1965-12691C>G

Gene: PALLD (palladin, cytoskeletal associated protein; plus strand). Cytogenetic location: 4q32.3.
Variant type: single nucleotide variant.
Coding change: c.1965-12691C>G on transcript NM_001166108.2 (MANE Select); 12691 bases into the intron before coding-DNA position 1965, C replaced by G.
Molecular consequence: intron variant. On other transcripts: missense variant (1).
Genome position (GRCh38, 1-based): chr4:168,878,231, C>G. VCF-style: chr4-168878231-C-G. GRCh37 (hg19) VCF-style: chr4-169799382-C-G.
Other names: c.340C>G, p.Pro114Ala (NM_001166110.2); c.1965-12691C>G (NM_016081.4); c.819-12691C>G (NM_001166109.2); c.-157-12691C>G (NM_001367570.1, NM_001367568.1, NM_001367567.1 and 1 more transcripts); short protein forms P114A.
Identifiers: ClinVar variation 4861549 (VCV004861549.1).
Genomic context (GRCh38, chr4:168,878,231, plus strand): 5'-CCGGTCTTCAGCCCCACGGCTGCCTTCCCGGTGCCCGACGTGTTCCCACTGCCGCCGCCA[C>G]CACCGCCGCTCCCGAGCCCGGGACAGGCGTCCCACTGCTCGTCGCCTGCCACCCGCTTCG-3'